The following is an entry in ClinVar:

ClinVar aggregate classification (germline): Likely pathogenic (1 of 4 stars; one submission).

Conditions:
Emery-Dreifuss muscular dystrophy (EDMD). Also called: Scapuloperoneal syndrome, X-linked (formerly); Humeroperoneal neuromuscular disease, (formerly). Identifiers: Orphanet 261, MedGen C0410189, MONDO:0016830.

Submission:

Lildballe Lab, Aarhus University Hospital
Classification: Likely pathogenic for Emery-Dreifuss muscular dystrophy. Last evaluated: 2024-03-01. Review status: criteria provided, single submitter. Criteria: ACMG Guidelines, 2015. Collection method: research. Allele origin: germline. Affected: no.
Comment: PVS1(vs), PMS2(sup)

Literature cited by the submitters: PubMed 25741874; PubMed 39481677.

NM_001159699.2(FHL1):c.230G>A (p.Trp77Ter)

Gene: FHL1 (four and a half LIM domains 1; plus strand). Cytogenetic location: Xq26.3.
Variant type: single nucleotide variant.
Coding change: c.230G>A on transcript NM_001159699.2 (MANE Select); coding-DNA position 230, G replaced by A.
Protein change: p.Trp77Ter; replaces tryptophan 77 with a stop codon.
Molecular consequence: nonsense. On other transcripts: non-coding transcript variant (1).
Genome position (GRCh38, 1-based): chrX:136,207,041, G>A. VCF-style: chrX-136207041-G-A. GRCh37 (hg19) VCF-style: chrX-135289200-G-A.
Other names: c.182G>A, p.Trp61Ter (NM_001159700.2, NM_001159702.3, NM_001159703.2 and 9 more transcripts); c.269G>A, p.Trp90Ter (NM_001159701.2); c.230G>A, p.Trp77Ter (NM_001330659.2); short protein forms W61*, W77*, W90*.
Identifiers: ClinVar variation 3338355 (VCV003338355.1).